The following is an entry in ClinVar:

NM_031448.6(C19orf12):c.160+107C>T

Gene: C19orf12 (chromosome 19 open reading frame 12; minus strand). Cytogenetic location: 19q12.
Variant type: single nucleotide variant.
Coding change: c.160+107C>T on transcript NM_031448.6 (MANE Select); 107 bases into the intron after coding-DNA position 160, C replaced by T.
Molecular consequence: intron variant.
Genome position (GRCh38, 1-based): chr19:29,708,147, G>A on the plus strand (C>T on the coding strand, the complement: C19orf12 is on the minus strand). VCF-style: chr19-29708147-G-A. GRCh37 (hg19) VCF-style: chr19-30199054-G-A.
Other names: c.-32-5170C>T (NM_001282929.1, NM_001282930.3); c.160+107C>T (NM_001256047.2, NM_001256046.3, NM_001031726.4); c.-154+107C>T (NM_001282931.3).
Identifiers: ClinVar variation 676100 (VCV000676100.1), dbSNP rs1864141, ClinGen allele CA14701005.
Genomic context (GRCh38, chr19:29,708,147, plus strand): 5'-CAGGCTAGTCTCAAACTCCTGACCTCAGGTGATCCGCCCGCCTCGGCCTCCCAAAGTGCT[G>A]GGATTACAGGCATGAGCCACACTGTGCCTGGCCTTCTCCCTGTGTTTCAACGGCCCTTTT-3'

ClinVar aggregate classification (germline): Benign (1 of 4 stars; one submission).

Allele frequency attached by ClinVar (database versions not stated): gnomAD 0.16415 and 0.17105; TOPMed 0.17393; 1000 Genomes Project 30x 0.23563; 1000 Genomes Project 0.23682.
gnomAD v4.1: 256,009 of 1,509,650 alleles (17%); highest among the groups gnomAD compares: East Asian, 37%; 24,743 homozygotes.

Submission:

GeneDx
Classification: Benign. Last evaluated: 2018-06-14. Review status: criteria provided, single submitter. Criteria: GeneDx Variant Classification (06012015). Collection method: clinical testing. Allele origin: germline. Affected: yes.
Comment: This variant is considered likely benign or benign based on one or more of the following criteria: it is a conservative change, it occurs at a poorly conserved position in the protein, it is predicted to be benign by multiple in silico algorithms, and/or has population frequency not consistent with disease.